The following is an entry in ClinVar:

NM_015681.6(B9D1):c.479G>A (p.Arg160His)

Gene: B9D1 (B9 domain containing 1; minus strand). Cytogenetic location: 17p11.2.
Variant type: single nucleotide variant.
Coding change: c.479G>A on transcript NM_015681.6 (MANE Select); coding-DNA position 479, G replaced by A.
Protein change: p.Arg160His; replaces arginine 160 with histidine.
Molecular consequence: missense variant. On other transcripts: 3 prime UTR variant (3), intron variant (4).
Genome position (GRCh38, 1-based): chr17:19,343,455, C>T on the plus strand (G>A on the coding strand, the complement: B9D1 is on the minus strand). VCF-style: chr17-19343455-C-T. GRCh37 (hg19) VCF-style: chr17-19246768-C-T.
Other names: c.*4G>A (NM_001321214.2); c.*255G>A (NM_001321215.3); c.*27G>A (NM_001330149.2); c.112+335G>A (NM_001368769.2); c.404+3814G>A (NM_001321219.2); c.472+335G>A (NM_001321218.2, NM_001321217.2); short protein forms R160H.
Identifiers: ClinVar variation 1641556 (VCV001641556.11), dbSNP rs538949071, ClinGen allele CA8440086.

ClinVar aggregate classification (germline): Likely benign. Review status: criteria provided, multiple submitters, no conflicts (2 of 4 stars). 4 submissions from 4 submitters: Likely benign (4). Last evaluated 2026-01-19.

Conditions:
B9D1-related disorder. Also called: B9D1-related disorders; B9D1-related condition.
Joubert syndrome. Also called: JOUBERT-BOLTSHAUSER SYNDROME; Familial aplasia of the vermis. Identifiers: Orphanet 475, MedGen C5979921, MONDO:0018772.
Meckel-Gruber syndrome. Also called: GRUBER SYNDROME; DYSENCEPHALIA SPLANCHNOCYSTICA; Dysencephalia splachnocystica. Identifiers: Orphanet 564, MedGen C0265215, MONDO:0018921.

Allele frequency attached by ClinVar (database versions not stated): gnomAD 0.00011 and 0.00012; ExAC 0.00016; TOPMed 0.00017; gnomAD exomes 0.00021; 1000 Genomes Project 30x 0.00047; 1000 Genomes Project 0.00060.
gnomAD v4.1: 81 of 1,614,162 alleles (0.005%); highest among the groups gnomAD compares: East Asian, 0.12%; no homozygotes.

Submissions (4):

Labcorp Genetics (formerly Invitae), Labcorp
Classification: Likely benign for Joubert syndrome; Meckel-Gruber syndrome. Last evaluated: 2026-01-19. Review status: criteria provided, single submitter. Criteria: Invitae Variant Classification Sherloc (09022015). Collection method: clinical testing. Allele origin: germline.

PreventionGenetics, part of Exact Sciences
Classification: Likely benign for B9D1-related condition. Last evaluated: 2025-08-30. Review status: criteria provided, single submitter. Criteria: ACMG Guidelines, 2015. Collection method: clinical testing. Allele origin: germline.
Comment: This variant is classified as likely benign based on ACMG/AMP sequence variant interpretation guidelines (Richards et al. 2015 PMID: 25741868, with internal and published modifications).

Blueprint Genetics
Classification: Likely benign. Last evaluated: 2024-02-29. Review status: criteria provided, single submitter. Criteria: ACMG Guidelines, 2015. Collection method: clinical testing. Allele origin: germline.

Women's Health and Genetics/Laboratory Corporation of America, LabCorp
Classification: Likely benign. Last evaluated: 2022-05-11. Review status: criteria provided, single submitter. Criteria: LabCorp Variant Classification Summary - May 2015. Collection method: clinical testing. Allele origin: germline.
Comment: Variant summary: B9D1 c.479G>A (p.Arg160His) results in a non-conservative amino acid change in the encoded protein sequence. Five of five in-silico tools predict a damaging effect of the variant on protein function. The variant allele was found at a frequency of 0.00021 in 249750 control chromosomes (gnomAD), predominantly at a frequency of 0.0025 within the East Asian subpopulation in the gnomAD database. The observed variant frequency within East Asian control individuals in the gnomAD database is approximately 6 fold of the estimated maximal expected allele frequency for a pathogenic variant in B9D1 causing Joubert Syndrome And Related Disorders phenotype (0.0004), strongly suggesting that the variant is a benign polymorphism found primarily in populations of East Asian origin. To our knowledge, no occurrence of c.479G>A in individuals affected with Joubert Syndrome And Related Disorders and no experimental evidence demonstrating its impact on protein function have been reported. One ClinVar submitter has assessed the variant since 2014: the variant was classified as likely benign. Based on the evidence outlined above, the variant was classified as likely benign.